The following is an entry in ClinVar:

ClinVar aggregate classification (germline): Benign. Review status: criteria provided, single submitter (1 of 4 stars). 2 submissions from 2 submitters: Benign (1). 1 of the submissions does not count toward it. Last evaluated 2023-11-27.

Conditions:
KMT2B-related disorder. Also called: KMT2B-related condition; KMT2B-related disorders. Identifiers: MedGen CN381338.

Allele frequency attached by ClinVar (database versions not stated): gnomAD exomes 0.00001; ExAC 0.00008.

Submissions (2):

Labcorp Genetics (formerly Invitae), Labcorp
Classification: Benign. Last evaluated: 2023-11-27. Review status: criteria provided, single submitter. Criteria: Invitae Variant Classification Sherloc (09022015). Collection method: clinical testing. Allele origin: germline.

PreventionGenetics, part of Exact Sciences
Classification: Benign for KMT2B-related condition. Last evaluated: 2019-06-17. Review status: no assertion criteria provided. Collection method: clinical testing. Allele origin: germline. Not counted in ClinVar's aggregate classification.
Comment: This variant is classified as benign based on ACMG/AMP sequence variant interpretation guidelines (Richards et al. 2015 PMID: 25741868, with internal and published modifications).

NM_014727.3(KMT2B):c.1239T>A (p.Pro413=)

Gene: KMT2B (lysine methyltransferase 2B; plus strand). Cytogenetic location: 19q13.12.
Variant type: single nucleotide variant.
Coding change: c.1239T>A on transcript NM_014727.3 (MANE Select); coding-DNA position 1239, T replaced by A.
Protein change: p.Pro413=; no amino-acid change (proline 413 retained).
Molecular consequence: synonymous variant.
Genome position (GRCh38, 1-based): chr19:35,720,586, T>A. VCF-style: chr19-35720586-T-A. GRCh37 (hg19) VCF-style: chr19-36211488-T-A.
Other names: c.1239T>A (NM_014727.2).
Identifiers: ClinVar variation 2906553 (VCV002906553.5), dbSNP rs762207451, ClinGen allele CA9384197.